The following is an entry in ClinVar:

ClinVar aggregate classification (germline): Uncertain significance. Review status: criteria provided, multiple submitters, no conflicts (2 of 4 stars). 2 submissions from 2 submitters: Uncertain significance (2). Last evaluated 2025-01-23.

Conditions:
Hereditary cancer-predisposing syndrome. Also called: Hereditary Cancer Syndrome; Tumor predisposition; Hereditary neoplastic syndrome; Neoplastic Syndromes, Hereditary. Identifiers: Orphanet 140162, MedGen C0027672, MeSH D009386, MONDO:0015356.

Submissions (2):

Labcorp Genetics (formerly Invitae), Labcorp
Classification: Uncertain significance. Last evaluated: 2025-01-23. Review status: criteria provided, single submitter. Criteria: Invitae Variant Classification Sherloc (09022015). Collection method: clinical testing. Allele origin: germline.
Comment: This sequence change replaces alanine, which is neutral and non-polar, with aspartic acid, which is acidic and polar, at codon 776 of the MSH3 protein (p.Ala776Asp). This variant is not present in population databases (gnomAD no frequency). This variant has not been reported in the literature in individuals affected with MSH3-related conditions. ClinVar contains an entry for this variant (Variation ID: 645109). An algorithm developed to predict the effect of missense changes on protein structure and function (PolyPhen-2) suggests that this variant is likely to be disruptive. In summary, the available evidence is currently insufficient to determine the role of this variant in disease. Therefore, it has been classified as a Variant of Uncertain Significance.

Ambry Genetics
Classification: Uncertain significance for Hereditary cancer-predisposing syndrome. Last evaluated: 2024-11-21. Review status: criteria provided, single submitter. Criteria: Ambry Variant Classification Scheme 2023. Collection method: clinical testing. Allele origin: germline.
Comment: The p.A776D variant (also known as c.2327C>A), located in coding exon 17 of the MSH3 gene, results from a C to A substitution at nucleotide position 2327. The alanine at codon 776 is replaced by aspartic acid, an amino acid with dissimilar properties. This amino acid position is highly conserved in available vertebrate species. In addition, this alteration is predicted to be deleterious by in silico analysis. Based on the available evidence, the clinical significance of this variant remains unclear.

NM_002439.5(MSH3):c.2327C>A (p.Ala776Asp)

Gene: MSH3 (mutS homolog 3; plus strand). Cytogenetic location: 5q14.1.
Variant type: single nucleotide variant.
Coding change: c.2327C>A on transcript NM_002439.5 (MANE Select); coding-DNA position 2327, C replaced by A.
Protein change: p.Ala776Asp; replaces alanine 776 with aspartic acid.
Molecular consequence: missense variant.
Genome position (GRCh38, 1-based): chr5:80,778,728, C>A. VCF-style: chr5-80778728-C-A. GRCh37 (hg19) VCF-style: chr5-80074547-C-A.
Other names: short protein forms A776D.
Identifiers: ClinVar variation 645109 (VCV000645109.14), dbSNP rs765970162, ClinGen allele CA121328061.